The following is an entry in ClinVar:

ClinVar aggregate classification (germline): Uncertain significance (1 of 4 stars; one submission).

Conditions:
Congenital myasthenic syndrome 8. Also called: Myasthenic syndrome, congenital, 8, with pre- and postsynaptic defects; MYASTHENIC SYNDROME, CONGENITAL, DUE TO AGRIN DEFICIENCY. Identifiers: Orphanet 590, MedGen C3808739, MONDO:0014052, OMIM 615120.

Allele frequency attached by ClinVar (database versions not stated): gnomAD 0.00001; TOPMed 0.00001.
gnomAD v4.1: 5 of 1,494,914 alleles (0.00033%); highest among the groups gnomAD compares: Admixed American, 0.0022%; no homozygotes.

Submission:

Labcorp Genetics (formerly Invitae), Labcorp
Classification: Uncertain significance for Congenital myasthenic syndrome 8. Last evaluated: 2022-07-19. Review status: criteria provided, single submitter. Criteria: Invitae Variant Classification Sherloc (09022015). Collection method: clinical testing. Allele origin: germline.
Comment: Variants that disrupt the consensus splice site are a relatively common cause of aberrant splicing (PMID: 17576681, 9536098). Algorithms developed to predict the effect of sequence changes on RNA splicing suggest that this variant is not likely to affect RNA splicing. In summary, the available evidence is currently insufficient to determine the role of this variant in disease. Therefore, it has been classified as a Variant of Uncertain Significance. ClinVar contains an entry for this variant (Variation ID: 946273). This variant has not been reported in the literature in individuals affected with AGRN-related conditions. This variant is present in population databases (no rsID available, gnomAD 0.007%). This sequence change falls in intron 1 of the AGRN gene. It does not directly change the encoded amino acid sequence of the AGRN protein. It affects a nucleotide within the consensus splice site.

Literature cited by the submitters: PubMed 17576681; PubMed 9536098.

NM_198576.4(AGRN):c.201+4C>A

Gene: AGRN (agrin; plus strand). Cytogenetic location: 1p36.33.
Variant type: single nucleotide variant.
Coding change: c.201+4C>A on transcript NM_198576.4 (MANE Select); 4 bases into the intron after coding-DNA position 201, C replaced by A.
Molecular consequence: intron variant.
Genome position (GRCh38, 1-based): chr1:1,020,377, C>A. VCF-style: chr1-1020377-C-A. GRCh37 (hg19) VCF-style: chr1-955757-C-A.
Other names: c.201+4C>A (NM_001305275.2).
Identifiers: ClinVar variation 946273 (VCV000946273.9), dbSNP rs1313469026, ClinGen allele CA520659359.
Genomic context (GRCh38, chr1:1,020,377, plus strand): 5'-GGGACGGTGGAGGAGATCCTCAACGTGGACCCGGTGCAGCACACGTACTCCTGCAAGGTG[C>A]GCCCACCCGGACCCCGGCCTCCCCTCGCGACGCCTGCCGCCCCGCCGGGACCCCCGCCCC-3'